The following is an entry in ClinVar:

NM_000492.4(CFTR):c.2936A>T (p.Asp979Val)

Genes: CFTR-AS2 (CFTR antisense RNA 2; minus strand), CFTR (CF transmembrane conductance regulator; plus strand). Cytogenetic location: 7q31.2.
Variant type: single nucleotide variant.
Coding change: c.2936A>T on transcript NM_000492.4 (MANE Select); coding-DNA position 2936, A replaced by T.
Protein change: p.Asp979Val; replaces aspartic acid 979 with valine.
Molecular consequence: missense variant.
Genome position (GRCh38, 1-based): chr7:117,606,701, A>T. VCF-style: chr7-117606701-A-T. GRCh37 (hg19) VCF-style: chr7-117246755-A-T.
Other names: short protein forms D979V.
Identifiers: ClinVar variation 53603 (VCV000053603.6), dbSNP rs397508462, ClinGen allele CA326979.

ClinVar aggregate classification (germline): Pathogenic. Review status: reviewed by expert panel (3 of 4 stars). 4 submissions from 4 submitters: Pathogenic (1). 3 of the submissions do not count toward it. Last evaluated 2017-12-08.

Conditions:
CFTR-related disorder (CFTR-RD). Also called: CFTR-related condition; CFTR-related disorders. Identifiers: MedGen C5924204, MONDO:7770004.
Cystic fibrosis (CF). Also called: MUCOVISCIDOSIS. Identifiers: Orphanet 586, MedGen C0010674, MONDO:0009061, OMIM 219700. Disease mechanism: loss of function.

Submissions (4):

CFTR2
Classification: Pathogenic for Cystic fibrosis. Last evaluated: 2017-12-08. Review status: reviewed by expert panel. Criteria: Sosnay PR et al. (Nat Genet 2013). Collection method: research. Allele origin: germline. Affected: yes.

Ambry Genetics
Classification: Likely pathogenic for Cystic fibrosis. Last evaluated: 2025-10-29. Review status: criteria provided, single submitter. Criteria: Ambry Variant Classification Scheme 2023. Collection method: clinical testing. Allele origin: germline. Not counted in ClinVar's aggregate classification.
Comment: The p.D979V variant (also known as c.2936A>T), located in coding exon 18 of the CFTR gene, results from an A to T substitution at nucleotide position 2936. The aspartic acid at codon 979 is replaced by valine, an amino acid with highly dissimilar properties. This variant has been identified in the homozygous state and/or in conjunction with other CFTR variant(s) in individual(s) with features consistent with cystic fibrosis (Plouvier E et al. Ann. Genet., 1997;40:185-8; Claustres M et al. Hum Mutat, 2000;16:143-56; Petrova NV et al. Genes (Basel), 2020 05;11:). In one functional study, this alteration caused CFTR processing defects (Clain J et al. J. Biol. Chem., 2001 Mar;276:9045-9). In other studies, this variant significantly reduced CFTR function compared to wild type (Han ST et al. JCI Insight, 2018 07;3; Raraigh KS et al. Am J Hum Genet, 2018 06;102:1062-1077). This variant is considered to be rare based on population cohorts in the Genome Aggregation Database (gnomAD). This amino acid position is highly conserved in available vertebrate species. In addition, this alteration is predicted to be deleterious by in silico analysis. Based on the majority of available evidence to date, this variant is likely to be pathogenic.

CFTR-France
Classification: Pathogenic for cystic fibrosis; CFTR-related disorders. Last evaluated: 2018-01-29. Review status: criteria provided, single submitter. Criteria: Claustres M et al. (Hum Mutat 2017). Collection method: curation. Allele origin: germline. Affected: yes. Not counted in ClinVar's aggregate classification.
Comment: the variant causes a phenotype but regarding our data, we can't formally attribute it to CF, CFTR-RD or both

ClinVar Staff, National Center for Biotechnology Information (NCBI)
No classification provided. Condition: CFTR-related disorders. Review status: no classification provided. Collection method: literature only. Allele origin: germline. Affected: yes. Not counted in ClinVar's aggregate classification.

Literature cited by the submitters: PubMed 10923036 (cited by Ambry Genetics); PubMed 11118444 (cited by Ambry Genetics and ClinVar Staff, National Center for Biotechnology Information (NCBI)); PubMed 23974870 (cited by Ambry Genetics); PubMed 29805046 (cited by Ambry Genetics); PubMed 30046002 (cited by Ambry Genetics); PubMed 32429104 (cited by Ambry Genetics); PubMed 9401110 (cited by Ambry Genetics and ClinVar Staff, National Center for Biotechnology Information (NCBI)).